The following is an entry in ClinVar:

NM_000548.5(TSC2):c.5265C>G (p.Cys1755Trp)

Gene: TSC2 (TSC complex subunit 2; plus strand). Cytogenetic location: 16p13.3.
Variant type: single nucleotide variant.
Coding change: c.5265C>G on transcript NM_000548.5 (MANE Select); coding-DNA position 5265, C replaced by G.
Protein change: p.Cys1755Trp; replaces cysteine 1755 with tryptophan.
Molecular consequence: missense variant.
Genome position (GRCh38, 1-based): chr16:2,088,451, C>G. VCF-style: chr16-2088451-C-G. GRCh37 (hg19) VCF-style: chr16-2138452-C-G.
Other names: p.Cys1755Trp; c.5265C>G (NM_000548.3); c.5064C>G, p.Cys1688Trp (NM_001077183.3); c.5196C>G, p.Cys1732Trp (NM_001114382.3); c.4956C>G, p.Cys1652Trp (NM_001318827.2); c.4920C>G, p.Cys1640Trp (NM_001318829.2); c.4533C>G, p.Cys1511Trp (NM_001318831.2); c.5097C>G, p.Cys1699Trp (NM_001318832.2); and 4 more; short protein forms C1511W, C1640W, C1652W, C1688W, C1689W, C1699W, C1708W, C1711W.
Identifiers: ClinVar variation 1017532 (VCV001017532.11), dbSNP rs141449031, ClinGen allele CA394315048.

ClinVar aggregate classification (germline): Uncertain significance. Review status: criteria provided, multiple submitters, no conflicts (2 of 4 stars). 3 submissions from 3 submitters: Uncertain significance (3). Last evaluated 2025-07-16.

Conditions:
Hereditary cancer-predisposing syndrome. Also called: Tumor predisposition; Hereditary Cancer Syndrome; Neoplastic Syndromes, Hereditary; Hereditary neoplastic syndrome. Identifiers: Orphanet 140162, MedGen C0027672, MeSH D009386, MONDO:0015356.
Tuberous sclerosis 2 (TSC2). Identifiers: Orphanet 805, MedGen C1860707, MONDO:0013199, OMIM 613254.

Submissions (3):

Mayo Clinic Laboratories, Mayo Clinic
Classification: Uncertain significance. Last evaluated: 2025-07-16. Review status: criteria provided, single submitter. Criteria: ACMG Guidelines, 2015. Collection method: clinical testing. Allele origin: germline. Observed: 1 variant allele.
Comment: PM2_supporting

Labcorp Genetics (formerly Invitae), Labcorp
Classification: Uncertain significance for Tuberous sclerosis 2. Last evaluated: 2025-04-30. Review status: criteria provided, single submitter. Criteria: Invitae Variant Classification Sherloc (09022015). Collection method: clinical testing. Allele origin: germline.
Comment: This sequence change replaces cysteine, which is neutral and slightly polar, with tryptophan, which is neutral and slightly polar, at codon 1755 of the TSC2 protein (p.Cys1755Trp). This variant is not present in population databases (gnomAD no frequency). This variant has not been reported in the literature in individuals affected with TSC2-related conditions. ClinVar contains an entry for this variant (Variation ID: 1017532). Invitae Evidence Modeling of protein sequence and biophysical properties (such as structural, functional, and spatial information, amino acid conservation, physicochemical variation, residue mobility, and thermodynamic stability) indicates that this missense variant is not expected to disrupt TSC2 protein function with a negative predictive value of 95%. Algorithms developed to predict the effect of sequence changes on RNA splicing suggest that this variant may create or strengthen a splice site. In summary, the available evidence is currently insufficient to determine the role of this variant in disease. Therefore, it has been classified as a Variant of Uncertain Significance.

Ambry Genetics
Classification: Uncertain significance for Hereditary cancer-predisposing syndrome. Last evaluated: 2022-11-13. Review status: criteria provided, single submitter. Criteria: Ambry Variant Classification Scheme 2023. Collection method: clinical testing. Allele origin: germline.
Comment: The p.C1755W variant (also known as c.5265C>G), located in coding exon 41 of the TSC2 gene, results from a C to G substitution at nucleotide position 5265. The cysteine at codon 1755 is replaced by tryptophan, an amino acid with highly dissimilar properties. This amino acid position is conserved. In addition, the in silico prediction for this alteration is inconclusive. Since supporting evidence is limited at this time, the clinical significance of this alteration remains unclear.